The following is an entry in ClinVar:

ClinVar aggregate classification (germline): Uncertain significance (1 of 4 stars; one submission).

Conditions:
Ataxia-telangiectasia syndrome (AT). Also called: Ataxia-telangiectasia, complementation group D; AT, COMPLEMENTATION GROUP C; Ataxia telangiectasia (A-T); Cerebello-oculocutaneous telangiectasia; Immunodeficiency with ataxia telangiectasia; ATAXIA-TELANGIECTASIA, COMPLEMENTATION GROUP A. Identifiers: Orphanet 100, MedGen C0004135, MONDO:0008840, OMIM 208900.

Allele frequency attached by ClinVar (database versions not stated): gnomAD exomes below 0.00001; ExAC 0.00001.
gnomAD v4.1: 2 of 1,602,598 alleles (0.00012%); highest among the groups gnomAD compares: South Asian, 0.0022%; no homozygotes.

Submission:

Labcorp Genetics (formerly Invitae), Labcorp
Classification: Uncertain significance for Ataxia-telangiectasia syndrome. Last evaluated: 2021-12-09. Review status: criteria provided, single submitter. Criteria: Invitae Variant Classification Sherloc (09022015). Collection method: clinical testing. Allele origin: germline.
Comment: This variant has not been reported in the literature in individuals affected with ATM-related conditions. In summary, the available evidence is currently insufficient to determine the role of this variant in disease. Therefore, it has been classified as a Variant of Uncertain Significance. Algorithms developed to predict the effect of sequence changes on RNA splicing suggest that this variant may create or strengthen a splice site. Advanced modeling of protein sequence and biophysical properties (such as structural, functional, and spatial information, amino acid conservation, physicochemical variation, residue mobility, and thermodynamic stability) performed at Invitae indicates that this missense variant is not expected to disrupt ATM protein function. ClinVar contains an entry for this variant (Variation ID: 663078). This variant is present in population databases (rs767981230, gnomAD 0.003%). This sequence change replaces lysine, which is basic and polar, with glutamine, which is neutral and polar, at codon 1560 of the ATM protein (p.Lys1560Gln).

NM_000051.4(ATM):c.4678A>C (p.Lys1560Gln)

Gene: ATM (ATM serine/threonine kinase; plus strand). Cytogenetic location: 11q22.3.
Variant type: single nucleotide variant.
Coding change: c.4678A>C on transcript NM_000051.4 (MANE Select); coding-DNA position 4678, A replaced by C.
Protein change: p.Lys1560Gln; replaces lysine 1560 with glutamine.
Molecular consequence: missense variant.
Genome position (GRCh38, 1-based): chr11:108,293,379, A>C. VCF-style: chr11-108293379-A-C. GRCh37 (hg19) VCF-style: chr11-108164106-A-C.
Other names: c.4678A>C, p.Lys1560Gln (NM_001351834.2); short protein forms K1560Q.
Identifiers: ClinVar variation 663078 (VCV000663078.6), dbSNP rs767981230, ClinGen allele CA6265529.